The following is an entry in ClinVar:

ClinVar aggregate classification (germline): Likely pathogenic (1 of 4 stars; one submission).

Conditions:
Multiple congenital anomalies-hypotonia-seizures syndrome 1 (MCAHS1). Also called: PIGN-CDG; Congenital disorder of glycosylation due to PIGN deficiency; GLYCOSYLPHOSPHATIDYLINOSITOL BIOSYNTHESIS DEFECT 3. Identifiers: Orphanet 280633, MedGen C3279775, MONDO:0013563, OMIM 614080.

Submission:

Labcorp Genetics (formerly Invitae), Labcorp
Classification: Likely pathogenic for Multiple congenital anomalies-hypotonia-seizures syndrome 1. Last evaluated: 2019-02-08. Review status: criteria provided, single submitter. Criteria: Invitae Variant Classification Sherloc (09022015). Collection method: clinical testing. Allele origin: germline.
Comment: This variant is a deletion of the genomic region encompassing exons 6-7 and part of exon 5 (c.328_549+1908del) of the PIGN gene. It is expected to disrupt RNA splicing and likely results in an absent or disrupted protein product. A similar deletion has been observed in individuals affected with Multiple Congenital Anomalies Hypotonia Seizures Syndrome (MCAHS1) and Fryns syndrome (PMID: 26394714, 29330547). Loss-of-function variants in PIGN are known to be pathogenic (PMID: 24253414, 27038415). In summary, the currently available evidence indicates that the variant is pathogenic, but additional data are needed to prove that conclusively. Therefore, this variant has been classified as Likely Pathogenic.

Literature cited by the submitters: PubMed 29330547; PubMed 26394714.

NM_176787.5(PIGN):c.328_549+1908del

Gene: PIGN (phosphatidylinositol glycan anchor biosynthesis class N; minus strand). Cytogenetic location: 18q21.33.
Variant type: Deletion.
Coding change: c.328_549+1908del on transcript NM_176787.5 (MANE Select); coding-DNA position 328 through 1908 bases into the intron after coding-DNA position 549, 5,066 bases deleted.
Molecular consequence: splice acceptor variant, splice donor variant.
Genome position (GRCh38, 1-based): chr18:62,152,637-62,157,702, 5,066 bases deleted. GRCh37 (hg19): chr18:59,819,871-59,824,936.
Other names: c.328_549+1908del (NM_012327.6).
Identifiers: ClinVar variation 970613 (VCV000970613.1), ClinGen allele CA1139666147.